The following is an entry in ClinVar:

ClinVar aggregate classification (germline): Uncertain significance. Review status: criteria provided, multiple submitters, no conflicts (2 of 4 stars). 5 submissions from 5 submitters: Uncertain significance (4). 1 of the submissions does not count toward it. Last evaluated 2024-03-15.

Conditions:
Inborn genetic diseases. Identifiers: MedGen C0950123, MeSH D030342.
Neuronal ceroid lipofuscinosis 7 (CLN7). Also called: MFSD8-Related Neuronal Ceroid-Lipofuscinosis. Identifiers: Orphanet 168491, Orphanet 228366, MedGen C1838571, MONDO:0012588, OMIM 610951.
Late-infantile neuronal ceroid lipofuscinosis. Also called: Jansky-Bielschowsky disease. Identifiers: MedGen C0022340, MONDO:0015674.

Allele frequency attached by ClinVar (database versions not stated): gnomAD exomes 0.00002 and 0.00004; ExAC 0.00002.

Submissions (5):

Ambry Genetics
Classification: Uncertain significance for Inborn genetic diseases. Last evaluated: 2024-03-15. Review status: criteria provided, single submitter. Criteria: Ambry Variant Classification Scheme 2023. Collection method: clinical testing. Allele origin: germline.

Labcorp Genetics (formerly Invitae), Labcorp
Classification: Uncertain significance for Neuronal ceroid lipofuscinosis 7. Last evaluated: 2022-05-12. Review status: criteria provided, single submitter. Criteria: Invitae Variant Classification Sherloc (09022015). Collection method: clinical testing. Allele origin: germline.
Comment: This sequence change replaces glutamic acid, which is acidic and polar, with lysine, which is basic and polar, at codon 392 of the MFSD8 protein (p.Glu392Lys). This variant is present in population databases (rs773610115, gnomAD 0.03%). This variant has not been reported in the literature in individuals affected with MFSD8-related conditions. ClinVar contains an entry for this variant (Variation ID: 206173). Algorithms developed to predict the effect of missense changes on protein structure and function (SIFT, PolyPhen-2, Align-GVGD) all suggest that this variant is likely to be tolerated. In summary, the available evidence is currently insufficient to determine the role of this variant in disease. Therefore, it has been classified as a Variant of Uncertain Significance.

GeneDx
Classification: Uncertain significance. Last evaluated: 2014-10-27. Review status: criteria provided, single submitter. Criteria: GeneDx Variant Classification (06012015). Collection method: clinical testing. Allele origin: germline. Affected: yes.
Comment: p.Glu392Lys (GAA>AAA): c.1174 G>A in exon 12 of the MFSD8 gene (NM_152778.2). A variant of unknown significance has been identified in the MFSD8 gene. The E392K variant has not been published as a mutation, nor has it been reported as a benign polymorphism to our knowledge. It was not observed in approximately 6,500 individuals of European and African American ancestry in the NHLBI Exome Sequencing Project, indicating it is not a common benign variant in these populations. The E392K variant is a non-conservative amino acid substitution, which is likely to impact secondary protein structure as these residues differ in polarity, charge, size and/or other properties. However, this substitution occurs at a position that is not conserved across species, and in silico analysis predicts this variant likely does not alter the protein structure/function. Therefore, based on the currently available information, it is unclear whether this variant is a pathogenic mutation or a rare benign variant. The variant is found in EPILEPSY panel(s).

Neuberg Centre For Genomic Medicine, NCGM
Classification: Uncertain significance for Neuronal ceroid lipofuscinosis 7. Review status: criteria provided, single submitter. Criteria: ACMG Guidelines, 2015. Collection method: clinical testing. Allele origin: germline. Affected: yes.
Comment: The missense variant c.1174G>A (p.Glu392Lys) in MFSD8 gene has not been reported previously as a pathogenic variant nor as a benign variant, to our knowledge. The p.Glu392Lys variant is novel (not in any individuals) in 1000 Genomes. This variant has been reported to the ClinVar database as Uncertain Significance. The amino acid Glu at position 392 is changed to a Lys changing protein sequence and it might alter its composition and physico-chemical properties. In silico tools predict the variant to be tolerated. The residue is conserved across species. The amino acid change p.Glu392Lys in MFSD8 is predicted as conserved by GERP++ and PhyloP across 100 vertebrates. For these reasons, this variant has been classified as Uncertain Significance

Natera, Inc.
Classification: Uncertain significance for Late-infantile neuronal ceroid lipofuscinosis. Last evaluated: 2019-11-11. Review status: no assertion criteria provided. Collection method: clinical testing. Allele origin: germline. Not counted in ClinVar's aggregate classification.

NM_001371596.2(MFSD8):c.1174G>A (p.Glu392Lys)

Gene: MFSD8 (major facilitator superfamily domain containing 8; minus strand). Cytogenetic location: 4q28.2.
Variant type: single nucleotide variant.
Coding change: c.1174G>A on transcript NM_001371596.2 (MANE Select); coding-DNA position 1174, G replaced by A.
Protein change: p.Glu392Lys; replaces glutamic acid 392 with lysine.
Molecular consequence: missense variant.
Genome position (GRCh38, 1-based): chr4:127,921,700, C>T on the plus strand (G>A on the coding strand, the complement: MFSD8 is on the minus strand). VCF-style: chr4-127921700-C-T. GRCh37 (hg19) VCF-style: chr4-128842855-C-T.
Other names: p.E392K:GAA>AAA; c.973G>A, p.Glu325Lys (NM_001363520.3); c.859G>A, p.Glu287Lys (NM_001363521.3); c.1039G>A, p.Glu347Lys (NM_001371590.2); c.1174G>A, p.Glu392Lys (NM_001371591.2, NM_152778.4); c.1180G>A, p.Glu394Lys (NM_001371592.2); c.1060G>A, p.Glu354Lys (NM_001371593.2); c.1027G>A, p.Glu343Lys (NM_001371594.2); and 3 more; short protein forms E392K, E287K, E325K, E298K, E343K, E347K, E354K, E394K.
Identifiers: ClinVar variation 206173 (VCV000206173.9), dbSNP rs773610115, ClinGen allele CA316004.